The following is an entry in ClinVar:

ClinVar aggregate classification (germline): Pathogenic. Review status: criteria provided, multiple submitters, no conflicts (2 of 4 stars). 9 submissions from 9 submitters: Pathogenic (7). 2 of the submissions do not count toward it. Last evaluated 2026-01-13.

Conditions:
Hereditary spastic paraplegia 49 (HSAN9). Also called: Spastic paraplegia 49, autosomal recessive; NEUROPATHY, HEREDITARY SENSORY AND AUTONOMIC, TYPE IX, WITH DEVELOPMENTAL DELAY; TECPR2-Related Hereditary Sensory and Autonomic Neuropathy with Intellectual Disability. Identifiers: Orphanet 320385, MedGen C5190860, MONDO:0014016, OMIM 615031.
Hereditary spastic paraplegia. Also called: Familial spastic paraparesis. Identifiers: Orphanet 685, MedGen C0037773, MONDO:0019064. Disease mechanism: loss of function.

Allele frequency attached by ClinVar (database versions not stated): ExAC 0.00007; gnomAD 0.00007 and 0.00008; gnomAD exomes 0.00007 and 0.00015; TOPMed 0.00010; ESP Exome Variant Server 0.00060.

Submissions (9):

Labcorp Genetics (formerly Invitae), Labcorp
Classification: Pathogenic for Hereditary spastic paraplegia 49. Last evaluated: 2026-01-13. Review status: criteria provided, single submitter. Criteria: Invitae Variant Classification Sherloc (09022015). Collection method: clinical testing. Allele origin: germline.
Comment: This sequence change creates a premature translational stop signal (p.Leu440Argfs*19) in the TECPR2 gene. It is expected to result in an absent or disrupted protein product. Loss-of-function variants in TECPR2 are known to be pathogenic (PMID: 23176824, 25590979). This variant is present in population databases (rs750908377, gnomAD 0.3%). This premature translational stop signal has been observed in individual(s) with autonomic dysfunction and intellectual disability (PMID: 25590979, 26542466). In at least one individual the data is consistent with being in trans (on the opposite chromosome) from a pathogenic variant. It has also been observed to segregate with disease in related individuals. ClinVar contains an entry for this variant (Variation ID: 374308). For these reasons, this variant has been classified as Pathogenic.

Natera, Inc.
Classification: Pathogenic for Autosomal recessive spastic paraplegia type 49. Last evaluated: 2025-09-10. Review status: criteria provided, single submitter. Criteria: Natera Variant Classification Schema (03/2026). Collection method: clinical testing. Allele origin: germline.
Comment: The c.1319delT variant in TECPR2 is a frameshift variant predicted to shift the reading frame beginning at codon 440 and leads to a stop codon 19 codons downstream. This variant is expected to result in nonsense mediated decay, truncation, or a dysfunctional protein product. The frequency of this variant in the general population is greater than expected for disorder. This variant has been observed in one or more individuals affected with the associated recessive disease, as either homozygous or compound heterozygous with a second variant (PMID: 25590979, 33884296, 33847017). Given the available evidence, this variant is classified as Pathogenic.

Fulgent Genetics
Classification: Pathogenic for Hereditary spastic paraplegia 49. Last evaluated: 2024-03-30. Review status: criteria provided, single submitter. Criteria: ACMG Guidelines, 2015. Collection method: clinical testing. Allele origin: germline.

Women's Health and Genetics/Laboratory Corporation of America, LabCorp
Classification: Pathogenic for Hereditary spastic paraplegia. Last evaluated: 2023-08-02. Review status: criteria provided, single submitter. Criteria: LabCorp Variant Classification Summary - May 2015. Collection method: clinical testing. Allele origin: germline.
Comment: Variant summary: TECPR2 c.1319delT (p.Leu440ArgfsX19) results in a premature termination codon, predicted to cause a truncation of the encoded protein or absence of the protein due to nonsense mediated decay, which are commonly known mechanisms for disease. The variant allele was found at a frequency of 0.00015 in 244296 control chromosomes (gnomAD). This frequency is not significantly higher than estimated for a pathogenic variant in TECPR2 causing Hereditary Spastic Paraplegia, Type 49 (0.00015 vs 0.0011), allowing no conclusion about variant significance. c.1319delT has been reported in the literature as a biallelic genotype in multiple individuals affected with Hereditary Spastic Paraplegia, Type 49 (e.g. Zhu_2015, Heimer_2016, Neuser_2021). These data indicate that the variant is very likely to be associated with disease. To our knowledge, no experimental evidence demonstrating an impact on protein function has been reported. The following publications have been ascertained in the context of this evaluation (PMID: 26542466, 33847017, 25590979). Eight ClinVar submitters have assessed the variant since 2014, and all submitters classified the variant as pathogenic. Based on the evidence outlined above, the variant was classified as pathogenic.

Revvity Omics, Revvity
Classification: Pathogenic for Hereditary spastic paraplegia 49. Last evaluated: 2022-04-27. Review status: criteria provided, single submitter. Criteria: ACMG Guidelines, 2015. Collection method: clinical testing. Allele origin: germline.

GeneDx
Classification: Pathogenic. Last evaluated: 2022-04-14. Review status: criteria provided, single submitter. Criteria: GeneDx Variant Classification Process June 2021. Collection method: clinical testing. Allele origin: germline. Affected: yes.
Comment: Frameshift variant predicted to result in protein truncation or nonsense mediated decay in a gene for which loss-of-function is a known mechanism of disease; This variant is associated with the following publications: (PMID: 33847017, 27959697, 26542466, 25590979, 32209221, 33884296)

Institute of Human Genetics, University of Leipzig Medical Center
Classification: Pathogenic for Hereditary spastic paraplegia 49. Last evaluated: 2020-06-27. Review status: criteria provided, single submitter. Criteria: ACMG Guidelines, 2015. Collection method: research. Allele origin: inherited. Inheritance: Autosomal recessive inheritance. Affected: yes. Observed: 7 variant alleles, 2 compound heterozygotes, 5 homozygotes.
Comment: The families are from Ashkenazi Jewish descent. Each parents are heterozygous carriers for this variant. This frameshift variant c.1319del, p.(Leu440Argfs*19) in exon 8/20 of TECPR2 has a minor allel frequency in the general population of 0.0001342 (gnomAD). Two publications (PMID: 25590979, 26542466) report four similarly affected patients with this variant (homozygous or compound heterozygous). The variant is already reported in ClinVar as pathogenic (ID: 374308). Biallelic truncating or missense variants have been described to cause "Spastic paraplegia 49, autosomal recessive" (Oz-Levi et al. Am J Hum Genet. 2012, PMID: 23176824). Taken together, we classify this variant as pathogenic based on the ACMG recommendations (Richards et al., 2015, PMID 25741868; criteria: PVS1 PS4_MOD PM2).

OMIM
Classification: Pathogenic for NEUROPATHY, HEREDITARY SENSORY AND AUTONOMIC, TYPE IX, WITH DEVELOPMENTAL DELAY. Last evaluated: 2021-10-19. Review status: no assertion criteria provided. Collection method: literature only. Allele origin: germline. Not counted in ClinVar's aggregate classification.

Baylor Genetics
Classification: Pathogenic for Hereditary spastic paraplegia 49. Last evaluated: 2015-11-12. Review status: no assertion criteria provided. Collection method: clinical testing. Allele origin: germline. Inheritance: Autosomal recessive inheritance. Affected: yes. Observed: 3 variant alleles, 2 heterozygotes, 1 homozygote. Not counted in ClinVar's aggregate classification.
Comment: The c.1319del (p.L440fs) TECPR2 change has been reported in three unrelated Ashkenazi Jewish patients of non-Bukharian origin [PMID 26542466], either homozygous or compound heterozygous, leading to hereditary sensory-autonomic neuropathy. Heterozygotes are expected to be asymptomatic carriers.

Literature cited by the submitters: PubMed 23176824 (cited by Labcorp Genetics (formerly Invitae), Labcorp); PubMed 25590979 (cited by 3 submitters); PubMed 26542466 (cited by 4 submitters); PubMed 33884296 (cited by Natera, Inc.); PubMed 33847017 (cited by 3 submitters).

NM_014844.5(TECPR2):c.1319del (p.Leu440fs)

Gene: TECPR2 (tectonin beta-propeller repeat containing 2; plus strand). Cytogenetic location: 14q32.31.
Variant type: Deletion.
Coding change: c.1319del on transcript NM_014844.5 (MANE Select); coding-DNA position 1319, one base deleted (T; older notation c.1319delT).
Protein change: p.Leu440fs; shifts the reading frame from leucine 440.
Molecular consequence: frameshift variant.
Genome position (GRCh38, 1-based): chr14:102,432,030, T deleted. VCF-style (leftmost placement, unchanged base first): chr14-102432029-CT-C. GRCh37 (hg19) VCF-style: chr14-102898366-CT-C.
Other names: c.1319delT (NM_001172631.3, NM_014844.4, NM_014844.3); c.1319del, p.Leu440fs (NM_001172631.3); short protein forms L440fs.
Identifiers: ClinVar variation 374308 (VCV000374308.28), dbSNP rs750908377, ClinGen allele CA7357695.